The following is an entry in ClinVar:

NM_004360.5(CDH1):c.58T>A (p.Trp20Arg)

Gene: CDH1 (cadherin 1; plus strand). Cytogenetic location: 16q22.1.
Variant type: single nucleotide variant.
Coding change: c.58T>A on transcript NM_004360.5 (MANE Select); coding-DNA position 58, T replaced by A.
Protein change: p.Trp20Arg; replaces tryptophan 20 with arginine.
Molecular consequence: missense variant. On other transcripts: 5 prime UTR variant (2).
Genome position (GRCh38, 1-based): chr16:68,738,306, T>A. VCF-style: chr16-68738306-T-A. GRCh37 (hg19) VCF-style: chr16-68772209-T-A.
Other names: c.58T>A, p.Trp20Arg (NM_001317184.2); c.-1558T>A (NM_001317185.2); c.-1762T>A (NM_001317186.2); short protein forms W20R.
Identifiers: ClinVar variation 2853000 (VCV002853000.3), dbSNP rs2543816549, ClinGen allele CA396451624.

ClinVar aggregate classification (germline): Uncertain significance (1 of 4 stars; one submission).

Conditions:
Hereditary diffuse gastric adenocarcinoma (HDGC). Also called: DIFFUSE GASTRIC AND LOBULAR BREAST CANCER SYNDROME. Identifiers: Orphanet 26106, MedGen C1708349, MONDO:0007648, OMIM 137215.

Submission:

Labcorp Genetics (formerly Invitae), Labcorp
Classification: Uncertain significance for Hereditary diffuse gastric adenocarcinoma. Last evaluated: 2023-04-06. Review status: criteria provided, single submitter. Criteria: Invitae Variant Classification Sherloc (09022015). Collection method: clinical testing. Allele origin: germline.
Comment: This variant has not been reported in the literature in individuals affected with CDH1-related conditions. This sequence change replaces tryptophan, which is neutral and slightly polar, with arginine, which is basic and polar, at codon 20 of the CDH1 protein (p.Trp20Arg). This variant is not present in population databases (gnomAD no frequency). Algorithms developed to predict the effect of missense changes on protein structure and function output the following: SIFT: "Not Available"; PolyPhen-2: "Benign"; Align-GVGD: "Not Available". The arginine amino acid residue is found in multiple mammalian species, which suggests that this missense change does not adversely affect protein function. Algorithms developed to predict the effect of sequence changes on RNA splicing suggest that this variant may create or strengthen a splice site. In summary, the available evidence is currently insufficient to determine the role of this variant in disease. Therefore, it has been classified as a Variant of Uncertain Significance.